The following is an entry in ClinVar:

NM_000038.6(APC):c.6992C>A (p.Pro2331His)

Gene: APC (APC regulator of Wnt signaling pathway; plus strand). Cytogenetic location: 5q22.2.
Variant type: single nucleotide variant.
Coding change: c.6992C>A on transcript NM_000038.6 (MANE Select); coding-DNA position 6992, C replaced by A.
Protein change: p.Pro2331His; replaces proline 2331 with histidine.
Molecular consequence: missense variant. On other transcripts: non-coding transcript variant (2).
Genome position (GRCh38, 1-based): chr5:112,842,586, C>A. VCF-style: chr5-112842586-C-A. GRCh37 (hg19) VCF-style: chr5-112178283-C-A.
Other names: c.6992C>A, p.Pro2331His (NM_001127510.3, NM_001354895.2, NM_001407450.1); c.6869C>A, p.Pro2290His (NM_001354900.2); c.6689C>A, p.Pro2230His (NM_001354903.2, NM_001407458.1, NM_001407459.1 and 1 more transcripts); c.7046C>A, p.Pro2349His (NM_001354896.2, NM_001407447.1, NM_001407448.1 and 1 more transcripts); c.6815C>A, p.Pro2272His (NM_001354901.2, NM_001407453.1); c.6719C>A, p.Pro2240His (NM_001354902.2); c.6938C>A, p.Pro2313His (NM_001127511.3); c.7022C>A, p.Pro2341His (NM_001354897.2); and 11 more; short protein forms P2331H, P2341H, P1947H, P2048H, P2205H, P2290H, P2303H, P2306H.
Identifiers: ClinVar variation 3928018 (VCV003928018.1).

ClinVar aggregate classification (germline): Uncertain significance (1 of 4 stars; one submission).

Conditions:
Hereditary cancer-predisposing syndrome. Also called: Hereditary Cancer Syndrome; Hereditary neoplastic syndrome; Neoplastic Syndromes, Hereditary; Tumor predisposition. Identifiers: Orphanet 140162, MedGen C0027672, MeSH D009386, MONDO:0015356.

Submission:

Ambry Genetics
Classification: Uncertain significance for Hereditary cancer-predisposing syndrome. Last evaluated: 2025-03-19. Review status: criteria provided, single submitter. Criteria: Ambry Variant Classification Scheme 2023. Collection method: clinical testing. Allele origin: germline.
Comment: The p.P2331H variant (also known as c.6992C>A), located in coding exon 15 of the APC gene, results from a C to A substitution at nucleotide position 6992. The proline at codon 2331 is replaced by histidine, an amino acid with similar properties. This amino acid position is conserved. In addition, in silico predictors for this gene do not accurately predict pathogenicity. Based on the available evidence, the clinical significance of this variant remains unclear.